The following is an entry in ClinVar:

ClinVar aggregate classification (germline): Likely benign (1 of 4 stars; one submission).

Submission:

GeneDx
Classification: Likely benign. Last evaluated: 2021-06-15. Review status: criteria provided, single submitter. Criteria: GeneDx Variant Classification Process June 2021. Collection method: clinical testing. Allele origin: germline. Affected: yes.
Comment: See Variant Classification Assertion Criteria.

NM_001267052.2(UNC45B):c.1453-173_1453-172del

Gene: UNC45B (unc-45 myosin chaperone B; plus strand). Cytogenetic location: 17q12.
Variant type: Deletion.
Coding change: c.1453-173_1453-172del on transcript NM_001267052.2 (MANE Select); 173 bases into the intron before coding-DNA position 1453 through 172 bases into the intron before coding-DNA position 1453, 2 bases deleted (AT; older notation c.1453-173_1453-172delAT).
Molecular consequence: intron variant.
Genome position (GRCh38, 1-based): chr17:35,169,664-35,169,665, AT deleted; deleting any 2 consecutive bases within chr17:35,169,663-35,169,665 gives the same sequence; the c. name uses the placement nearest the transcript's 3' end. VCF-style (leftmost placement, unchanged base first): chr17-35169662-GTA-G. GRCh37 (hg19) VCF-style: chr17-33496681-GTA-G.
Other names: c.1453-173_1453-172del (NM_001033576.2, NM_173167.3); c.1452+1303_1452+1304del (NM_001308281.1).
Identifiers: ClinVar variation 1706950 (VCV001706950.2), dbSNP rs201737943, ClinGen allele CA289987027.